The following is an entry in ClinVar:

ClinVar aggregate classification (germline): Likely benign (0 of 4 stars; one submission).

Conditions:
SHANK3-related disorder. Also called: SHANK3-related condition.

Allele frequency attached by ClinVar (database versions not stated): gnomAD exomes below 0.00001; TOPMed below 0.00001.

Submission:

PreventionGenetics, part of Exact Sciences
Classification: Likely benign for SHANK3-related condition. Last evaluated: 2019-05-28. Review status: no assertion criteria provided. Collection method: clinical testing. Allele origin: germline.
Comment: This variant is classified as likely benign based on ACMG/AMP sequence variant interpretation guidelines (Richards et al. 2015 PMID: 25741868, with internal and published modifications).

NM_001372044.2(SHANK3):c.1431C>T (p.Leu477=)

Gene: SHANK3 (SH3 and multiple ankyrin repeat domains 3; plus strand). Cytogenetic location: 22q13.33.
Variant type: single nucleotide variant.
Coding change: c.1431C>T on transcript NM_001372044.2 (MANE Select); coding-DNA position 1431, C replaced by T.
Protein change: p.Leu477=; no amino-acid change (leucine 477 retained).
Molecular consequence: synonymous variant.
Genome position (GRCh38, 1-based): chr22:50,694,950, C>T. VCF-style: chr22-50694950-C-T. GRCh37 (hg19) VCF-style: chr22-51133378-C-T.
Other names: c.1206C>T, p.Leu402= (NM_033517.1).
Identifiers: ClinVar variation 3044597 (VCV003044597.2), dbSNP rs1252646985, ClinGen allele CA515252855.